The following is an entry in ClinVar:

ClinVar aggregate classification (germline): Pathogenic (1 of 4 stars; one submission).

Conditions:
Hereditary fructosuria. Also called: Fructose intolerance; ALDOB DEFICIENCY; ALDOLASE B DEFICIENCY; FRUCTOSE-1,6-BISPHOSPHATE ALDOLASE B DEFICIENCY; FRUCTOSE-1-PHOSPHATE ALDOLASE DEFICIENCY; FRUCTOSEMIA. Identifiers: Orphanet 469, MedGen C0016751, MONDO:0009249, OMIM 229600, HP:0005973. Disease mechanism: loss of function.

Submission:

Women's Health and Genetics/Laboratory Corporation of America, LabCorp
Classification: Pathogenic for Hereditary fructosuria. Last evaluated: 2023-01-06. Review status: criteria provided, single submitter. Criteria: LabCorp Variant Classification Summary - May 2015. Collection method: clinical testing. Allele origin: germline.
Comment: Variant summary: The variant identified by MLPA or other technology involves the deletion of exons 2-6 in the ALDOB gene, where exon 2 contains the initiator codon. A presumed nomenclature of c.(-11+1_-10-1)_(624+1_625-1)del has been designated for the purposes of this classification. Since this deletion includes the initiation codon, it is expected to result in an absent or shortened protein product, a known mechanism of disease. A deletion that includes exons 2-6 of the ALDOB gene (Size: 6,448 bp, Position: 9:104188774-104195222) was found at a frequency of 9.2e-05 (i.e. 2 alleles) in 21694 control chromosomes (gnomAD structural variants dataset). Deletion of exons 2-6 has been reported in the literature in multiple homozygous and compound heterozygous individuals affected with Hereditary Fructose Intolerance (e.g. Esposito_2010, Wang_2012, Ferri_2012). These data indicate that the variant is very likely to be associated with disease. One clinical diagnostic laboratory has submitted clinical-significance assessments for this variant to ClinVar after 2014 and classified the variant as pathogenic. Based on the evidence outlined above, the variant was classified as pathogenic.

Literature cited by the submitters: PubMed 20848650; PubMed 22494545; PubMed 3430936.

NC_000009.11:g.(104187910_104188836)_(104193180_104197990)del

Gene: ALDOB (aldolase, fructose-bisphosphate B; minus strand). Cytogenetic location: 9q31.1.
Variant type: Deletion.
Identifiers: ClinVar variation 2429130 (VCV002429130.4).